The following is an entry in ClinVar:

ClinVar aggregate classification (germline): Uncertain significance. Review status: criteria provided, multiple submitters, no conflicts (2 of 4 stars). 2 submissions from 2 submitters: Uncertain significance (2). Last evaluated 2025-09-11.

Conditions:
Ehlers-Danlos syndrome, type 4 (EDSVASC). Also called: Ehlers-Danlos syndrome vascular type; Ehlers Danlos syndrome, ecchymotic type; Ehlers Danlos syndrome, arterial type; Ehlers Danlos syndrome, Sack-Barabas type; Ehlers-Danlos Syndrome Type IV. Identifiers: Orphanet 286, MedGen C0268338, MONDO:0017314, OMIM 130050.

gnomAD v4.1: 2 of 1,614,234 alleles (0.00012%); highest among the groups gnomAD compares: Non-Finnish European, 0.00017%; no homozygotes.

Submissions (2):

Women's Health and Genetics/Laboratory Corporation of America, LabCorp
Classification: Uncertain significance. Last evaluated: 2025-09-11. Review status: criteria provided, single submitter. Criteria: LabCorp Variant Classification Summary - May 2015. Collection method: clinical testing. Allele origin: germline.
Comment: Variant summary: COL3A1 c.3782A>C (p.Asn1261Thr) results in a non-conservative amino acid change in the encoded protein sequence. Algorithms developed to predict the effect of missense changes on protein structure and function are either unavailable or do not agree on the potential impact of this missense change. The frequency data for this variant in gnomAD is considered unreliable, as metrics indicate poor data quality at this position. To our knowledge, no occurrence of c.3782A>C in individuals affected with COL3A1-related conditions and no experimental evidence demonstrating its impact on protein function have been reported. ClinVar contains an entry for this variant (Variation ID: 3709378). Based on the evidence outlined above, the variant was classified as uncertain significance.

Labcorp Genetics (formerly Invitae), Labcorp
Classification: Uncertain significance for Ehlers-Danlos syndrome, type 4. Last evaluated: 2025-06-16. Review status: criteria provided, single submitter. Criteria: Invitae Variant Classification Sherloc (09022015). Collection method: clinical testing. Allele origin: germline.
Comment: This sequence change replaces asparagine, which is neutral and polar, with threonine, which is neutral and polar, at codon 1261 of the COL3A1 protein (p.Asn1261Thr). This variant is not present in population databases (gnomAD no frequency). This variant has not been reported in the literature in individuals affected with COL3A1-related conditions. ClinVar contains an entry for this variant (Variation ID: 3709378). Invitae Evidence Modeling of protein sequence and biophysical properties (such as structural, functional, and spatial information, amino acid conservation, physicochemical variation, residue mobility, and thermodynamic stability) indicates that this missense variant is not expected to disrupt COL3A1 protein function with a negative predictive value of 95%. In summary, the available evidence is currently insufficient to determine the role of this variant in disease. Therefore, it has been classified as a Variant of Uncertain Significance.

NM_000090.4(COL3A1):c.3782A>C (p.Asn1261Thr)

Gene: COL3A1 (collagen type III alpha 1 chain; plus strand). Cytogenetic location: 2q32.2.
Variant type: single nucleotide variant.
Coding change: c.3782A>C on transcript NM_000090.4 (MANE Select); coding-DNA position 3782, A replaced by C.
Protein change: p.Asn1261Thr; replaces asparagine 1261 with threonine.
Molecular consequence: missense variant.
Genome position (GRCh38, 1-based): chr2:189,009,180, A>C. VCF-style: chr2-189009180-A-C. GRCh37 (hg19) VCF-style: chr2-189873906-A-C.
Other names: short protein forms N1261T.
Identifiers: ClinVar variation 3709378 (VCV003709378.3).